The following is an entry in ClinVar:

ClinVar aggregate classification (germline): Uncertain significance (1 of 4 stars; one submission).

Conditions:
Hereditary cancer-predisposing syndrome. Also called: Neoplastic Syndromes, Hereditary; Tumor predisposition; Hereditary Cancer Syndrome; Hereditary neoplastic syndrome. Identifiers: Orphanet 140162, MedGen C0027672, MeSH D009386, MONDO:0015356.

gnomAD v4.1: 1 of 1,614,058 alleles (0.000062%); highest among the groups gnomAD compares: South Asian, 0.0011%; no homozygotes.

Submission:

Ambry Genetics
Classification: Uncertain significance for Hereditary cancer-predisposing syndrome. Last evaluated: 2025-06-24. Review status: criteria provided, single submitter. Criteria: Ambry Variant Classification Scheme 2023. Collection method: clinical testing. Allele origin: germline.
Comment: The p.D1155G variant (also known as c.3464A>G), located in coding exon 9 of the BRCA1 gene, results from an A to G substitution at nucleotide position 3464. The aspartic acid at codon 1155 is replaced by glycine, an amino acid with similar properties. This amino acid position is not well conserved in available vertebrate species. In addition, the in silico prediction for this alteration is inconclusive. Based on the available evidence, the clinical significance of this variant remains unclear.

NM_007294.4(BRCA1):c.3464A>G (p.Asp1155Gly)

Genes: BRCA1 (BRCA1 DNA repair associated; minus strand), LOC126862571 (BRD4-independent group 4 enhancer GRCh37_chr17:41243136-41244335; plus strand). Cytogenetic location: 17q21.31.
Variant type: single nucleotide variant.
Coding change: c.3464A>G on transcript NM_007294.4 (MANE Select); coding-DNA position 3464, A replaced by G.
Protein change: p.Asp1155Gly; replaces aspartic acid 1155 with glycine.
Molecular consequence: missense variant. On other transcripts: intron variant (135).
Genome position (GRCh38, 1-based): chr17:43,092,067, T>C on the plus strand (A>G on the coding strand, the complement: BRCA1 is on the minus strand). VCF-style: chr17-43092067-T-C. GRCh37 (hg19) VCF-style: chr17-41244084-T-C.
Other names: c.3254A>G, p.Asp1085Gly (NM_001407904.1, NM_001407906.1, NM_001407907.1 and 13 more transcripts); c.3251A>G, p.Asp1084Gly (NM_001407915.1, NM_001407917.1, NM_001407918.1 and 9 more transcripts); c.3197A>G, p.Asp1066Gly (NM_001407931.1, NM_001407930.1, NM_001407932.1 and 2 more transcripts); c.3200A>G, p.Asp1067Gly (NM_001407933.1, NM_001407920.1, NM_001407921.1 and 9 more transcripts); c.3341A>G, p.Asp1114Gly (NM_001407919.1, NM_001407648.1, NM_001407664.1 and 19 more transcripts); c.3464A>G, p.Asp1155Gly (NM_001407593.1, NM_001407594.1, NM_001407596.1 and 30 more transcripts); c.3461A>G, p.Asp1154Gly (NM_001407610.1, NM_001407611.1, NM_001407627.1 and 22 more transcripts); c.3455A>G, p.Asp1152Gly (NM_001407646.1, NM_001407647.1); and 41 more; short protein forms D1084G, D1085G, D1107G, D1108G, D1128G, D859G, D1027G, D1043G.
Identifiers: ClinVar variation 4215068 (VCV004215068.1).
Genomic context (GRCh38, chr17:43,092,067, plus strand): 5'-GCAGAACTTTCCTTAATGTCATTTTCAGCAAAACTAGTATCTTCCTTTATTTCACCATCA[T>C]CTAACAGGTCATCAGGTGTCTCAGAACAAACCTGAGATGCATGACTACTTCCCATAGGCT-3'
Protein context (NP_009225.1, residues 1145-1165): VCSETPDDLL[Asp1155Gly]DGEIKEDTSF